The following is an entry in ClinVar:

NM_023110.3(FGFR1):c.2122G>T (p.Glu708Ter)

Gene: FGFR1 (fibroblast growth factor receptor 1; minus strand). Cytogenetic location: 8p11.23.
Variant type: single nucleotide variant.
Coding change: c.2122G>T on transcript NM_023110.3 (MANE Select); coding-DNA position 2122, G replaced by T.
Protein change: p.Glu708Ter; replaces glutamic acid 708 with a stop codon.
Molecular consequence: nonsense.
Genome position (GRCh38, 1-based): chr8:38,414,216, C>A on the plus strand (G>T on the coding strand, the complement: FGFR1 is on the minus strand). VCF-style: chr8-38414216-C-A. GRCh37 (hg19) VCF-style: chr8-38271734-C-A.
Other names: c.2122G>T (NM_023110.2); c.2116G>T, p.Glu706Ter (NM_001174063.2, NM_001174065.2, NM_001354367.2 and 1 more transcripts); c.2092G>T, p.Glu698Ter (NM_001174064.2); c.1855G>T, p.Glu619Ter (NM_001174066.2, NM_023105.3); c.2215G>T, p.Glu739Ter (NM_001174067.2); c.1843G>T, p.Glu615Ter (NM_001354368.2); c.2110G>T, p.Glu704Ter (NM_001354369.2); c.1849G>T, p.Glu617Ter (NM_001354370.2, NM_023106.3); short protein forms E615*, E617*, E619*, E698*, E704*, E706*, E708*, E739*.
Identifiers: ClinVar variation 1184446 (VCV001184446.3), dbSNP rs2150533516, ClinGen allele CA370728686.

ClinVar aggregate classification (germline): Pathogenic. Review status: criteria provided, single submitter (1 of 4 stars). 2 submissions from 2 submitters: Pathogenic (1). 1 of the submissions does not count toward it. Last evaluated 2023-05-04.

Conditions:
Hypogonadotropic hypogonadism 2 with or without anosmia (HH2). Also called: HYPOGONADOTROPIC HYPOGONADISM 2 WITHOUT ANOSMIA; FGFR1-Related GnRH Deficiency (Kallmann Syndrome 2); HYPOGONADOTROPIC HYPOGONADISM 2 WITH OR WITHOUT ANOSMIA, SUSCEPTIBILITY TO; HYPOGONADOTROPIC HYPOGONADISM 2 WITHOUT ANOSMIA, SUSCEPTIBILITY TO. Identifiers: Orphanet 478, MedGen C1563720, MONDO:0007844, OMIM 147950. Disease mechanism: loss of function.

Submissions (2):

Reproductive Endocrine Unit, Massachusetts General Hospital
Classification: Pathogenic for Hypogonadotropic hypogonadism 2 with or without anosmia. Last evaluated: 2023-05-04. Review status: criteria provided, single submitter. Criteria: ACMG Guidelines, 2015. Collection method: research. Allele origin: unknown. Affected: yes. Observed: 1 variant allele.
Comment: The variant NM_023110.2:c.2122G>T, p.(Glu708*) het has been classified as P1c based on the variant meeting the following ACMG Criteria: PVS1,PM2,PP3.

Genomics England Pilot Project, Genomics England
Classification: Likely pathogenic for Hypogonadotropic hypogonadism 2 with or without anosmia. Review status: no assertion criteria provided. Criteria: ACGS Guidelines, 2016. Collection method: clinical testing. Allele origin: germline. Affected: yes. Not counted in ClinVar's aggregate classification.